The following is an entry in ClinVar:

ClinVar aggregate classification (germline): Pathogenic (1 of 4 stars; one submission).

Submission:

Labcorp Genetics (formerly Invitae), Labcorp
Classification: Pathogenic. Last evaluated: 2023-12-19. Review status: criteria provided, single submitter. Criteria: Invitae Variant Classification Sherloc (09022015). Collection method: clinical testing. Allele origin: germline.
Comment: This sequence change creates a premature translational stop signal (p.Val504Serfs*10) in the SIN3A gene. It is expected to result in an absent or disrupted protein product. Loss-of-function variants in SIN3A are known to be pathogenic (PMID: 27399968). This variant is not present in population databases (gnomAD no frequency). This variant has not been reported in the literature in individuals affected with SIN3A-related conditions. For these reasons, this variant has been classified as Pathogenic.

Literature cited by the submitters: PubMed 27399968.

NM_001145358.2(SIN3A):c.1509dup (p.Val504fs)

Gene: SIN3A (SIN3 transcription regulator family member A; minus strand). Cytogenetic location: 15q24.2.
Variant type: Duplication.
Coding change: c.1509dup on transcript NM_001145358.2 (MANE Select); coding-DNA position 1509, one base duplicated (A; older notation c.1509dupA).
Protein change: p.Val504fs; shifts the reading frame from valine 504.
Molecular consequence: frameshift variant.
Genome position (GRCh38, 1-based): chr15:75,401,869, T duplicated on the plus strand (A on the coding strand, the reverse complement: SIN3A is on the minus strand). VCF-style (leftmost placement, unchanged base first): chr15-75401868-C-CT. GRCh37 (hg19) VCF-style: chr15-75694209-C-CT.
Other names: c.1509dup, p.Val504fs (NM_001145357.2, NM_015477.3); short protein forms V504fs.
Identifiers: ClinVar variation 2702272 (VCV002702272.3), dbSNP rs2542638910, ClinGen allele CA2697549223.
Genomic context (GRCh38, chr15:75,401,868, plus strand): 5'-GTCTCCATATCATGCATCAGGGCTAAGCCCCTCACTTCACTTACCCCAGGAAAGGAGAGA[C>CT]TAGTTGCACAAGCTCAGCACGAGAGATCACCTCCTGGTTAAAAATAACAAGACAGCGTAG-3'